The following is an entry in ClinVar:

ClinVar aggregate classification (germline): Likely benign (1 of 4 stars; one submission).

gnomAD v4.1: 11 of 1,611,158 alleles (0.00068%); highest among the groups gnomAD compares: South Asian, 0.0011%; no homozygotes.

Submission:

CeGaT Center for Human Genetics Tuebingen
Classification: Likely benign. Last evaluated: 2025-08-01. Review status: criteria provided, single submitter. Criteria: CeGaT Center For Human Genetics Tuebingen Variant Classification Criteria Version 2. Collection method: clinical testing. Allele origin: germline. Affected: yes. Observed: 1 variant allele.
Comment: MSANTD1: BP4, BP7

NM_001042690.2(MSANTD1):c.489C>T (p.Pro163=)

Gene: MSANTD1 (Myb/SANT DNA binding domain containing 1; plus strand). Cytogenetic location: 4p16.3.
Variant type: single nucleotide variant.
Coding change: c.489C>T on transcript NM_001042690.2 (MANE Select); coding-DNA position 489, C replaced by T.
Protein change: p.Pro163=; no amino-acid change (proline 163 retained).
Molecular consequence: synonymous variant.
Genome position (GRCh38, 1-based): chr4:3,253,375, C>T. VCF-style: chr4-3253375-C-T. GRCh37 (hg19) VCF-style: chr4-3255102-C-T.
Other names: c.450C>T, p.Pro150= (NM_001330620.2).
Identifiers: ClinVar variation 4083821 (VCV004083821.8).